The following is an entry in ClinVar:

NM_006852.6(TLK2):c.1287-7T>G

Gene: TLK2 (tousled like kinase 2; plus strand). Cytogenetic location: 17q23.2.
Variant type: single nucleotide variant.
Coding change: c.1287-7T>G on transcript NM_006852.6 (MANE Select); 7 bases into the intron before coding-DNA position 1287, T replaced by G.
Molecular consequence: intron variant.
Genome position (GRCh38, 1-based): chr17:62,580,104, T>G. VCF-style: chr17-62580104-T-G. GRCh37 (hg19) VCF-style: chr17-60657465-T-G.
Other names: c.1287-7T>G (NM_001375271.1, NM_001375270.1); c.1191-7T>G (NM_001438204.1, NM_001375272.1, NM_001438203.1 and 1 more transcripts); c.840-7T>G (NM_001375273.1, NM_001330418.3); c.1002-7T>G (NM_001411074.1); c.1098-7T>G (NM_001438205.1); c.1353-7T>G (NM_001284333.3); c.1329-7T>G (NM_001375269.1).
Identifiers: ClinVar variation 4976259 (VCV004976259.1).

ClinVar aggregate classification (germline): Uncertain significance (1 of 4 stars; one submission).

Submission:

GeneDx
Classification: Uncertain significance. Last evaluated: 2026-02-10. Review status: criteria provided, single submitter. Criteria: GeneDx Variant Classification Process June 2021. Collection method: clinical testing. Allele origin: germline.
Comment: Not observed at significant frequency in large population cohorts (gnomAD); In silico analysis supports a deleterious effect on splicing; Has not been previously published as pathogenic or benign to our knowledge